The following is an entry in ClinVar:

ClinVar aggregate classification (germline): Uncertain significance (1 of 4 stars; one submission).

Conditions:
Aortic aneurysm, familial thoracic 7 (AAT7). Also called: AORTIC DISSECTION, FAMILIAL, WITH OR WITHOUT AORTIC ANEURYSM. Identifiers: MedGen C3151077, MONDO:0013418, OMIM 613780.

gnomAD v4.1: 12 of 1,602,298 alleles (0.00075%); highest among the groups gnomAD compares: Non-Finnish European, 0.00094%; no homozygotes.

Submission:

Labcorp Genetics (formerly Invitae), Labcorp
Classification: Uncertain significance for Aortic aneurysm, familial thoracic 7. Last evaluated: 2025-07-06. Review status: criteria provided, single submitter. Criteria: Invitae Variant Classification Sherloc (09022015). Collection method: clinical testing. Allele origin: germline.
Comment: This sequence change replaces proline, which is neutral and non-polar, with serine, which is neutral and polar, at codon 1212 of the MYLK protein (p.Pro1212Ser). The frequency data for this variant in the population databases is considered unreliable, as metrics indicate poor data quality at this position in the gnomAD database. This variant has not been reported in the literature in individuals affected with MYLK-related conditions. Invitae Evidence Modeling of protein sequence and biophysical properties (such as structural, functional, and spatial information, amino acid conservation, physicochemical variation, residue mobility, and thermodynamic stability) indicates that this missense variant is not expected to disrupt MYLK protein function with a negative predictive value of 80%. In summary, the available evidence is currently insufficient to determine the role of this variant in disease. Therefore, it has been classified as a Variant of Uncertain Significance.

NM_053025.4(MYLK):c.3634C>T (p.Pro1212Ser)

Gene: MYLK (myosin light chain kinase; minus strand). Cytogenetic location: 3q21.1.
Variant type: single nucleotide variant.
Coding change: c.3634C>T on transcript NM_053025.4 (MANE Select); coding-DNA position 3634, C replaced by T.
Protein change: p.Pro1212Ser; replaces proline 1212 with serine.
Molecular consequence: missense variant.
Genome position (GRCh38, 1-based): chr3:123,682,242, G>A on the plus strand (C>T on the coding strand, the complement: MYLK is on the minus strand). VCF-style: chr3-123682242-G-A. GRCh37 (hg19) VCF-style: chr3-123401089-G-A.
Other names: c.3106C>T, p.Pro1036Ser (NM_001321309.2); c.3427C>T, p.Pro1143Ser (NM_053026.4, NM_053028.4); c.3634C>T, p.Pro1212Ser (NM_053027.4); short protein forms P1036S, P1212S, P1143S.
Identifiers: ClinVar variation 4744599 (VCV004744599.1).